The following is an entry in ClinVar:

NM_000836.4(GRIN2D):c.446C>G (p.Ala149Gly)

Genes: GRIN2D (glutamate ionotropic receptor NMDA type subunit 2D; plus strand), LOC130064856 (ATAC-STARR-seq lymphoblastoid silent region 10880; plus strand). Cytogenetic location: 19q13.33.
Variant type: single nucleotide variant.
Coding change: c.446C>G on transcript NM_000836.4 (MANE Select); coding-DNA position 446, C replaced by G.
Protein change: p.Ala149Gly; replaces alanine 149 with glycine.
Molecular consequence: missense variant.
Genome position (GRCh38, 1-based): chr19:48,398,838, C>G. VCF-style: chr19-48398838-C-G. GRCh37 (hg19) VCF-style: chr19-48902095-C-G.
Other names: short protein forms A149G.
Identifiers: ClinVar variation 1472745 (VCV001472745.12), dbSNP rs935135704, ClinGen allele CA406689241.

ClinVar aggregate classification (germline): Uncertain significance. Review status: criteria provided, multiple submitters, no conflicts (2 of 4 stars). 3 submissions from 3 submitters: Uncertain significance (3). Last evaluated 2025-07-28.

Conditions:
Developmental and epileptic encephalopathy, 46 (DEE46). Also called: Epileptic encephalopathy, early infantile, 46; GRIN2D-Related Developmental and Epileptic Encephalopathy. Identifiers: MedGen C4310687, MONDO:0014947, OMIM 617162.

gnomAD v4.1: 1 of 1,384,334 alleles (0.000072%); highest among the groups gnomAD compares: Non-Finnish European, 0.000093%; no homozygotes.

Submissions (3):

Dasa
Classification: Uncertain significance for Developmental and epileptic encephalopathy, 46. Last evaluated: 2025-07-28. Review status: criteria provided, single submitter. Criteria: DASA Assertion Criteria. Collection method: clinical testing. Allele origin: germline.
Comment: NM_000836.4(GRIN2D):c.446C>G (p.Ala149Gly) is a missense variant that results in the substitution of alanine with glycine. This variant is rare in population databases. The currently available literature and clinical evidence are not sufficient to establish a definitive association between this variant and the reported condition. Therefore, this variant is classified as a variant of uncertain significance.

Labcorp Genetics (formerly Invitae), Labcorp
Classification: Uncertain significance. Last evaluated: 2022-04-28. Review status: criteria provided, single submitter. Criteria: Invitae Variant Classification Sherloc (09022015). Collection method: clinical testing. Allele origin: germline.
Comment: In summary, the available evidence is currently insufficient to determine the role of this variant in disease. Therefore, it has been classified as a Variant of Uncertain Significance. This sequence change replaces alanine, which is neutral and non-polar, with glycine, which is neutral and non-polar, at codon 149 of the GRIN2D protein (p.Ala149Gly). This variant is not present in population databases (gnomAD no frequency). This variant has not been reported in the literature in individuals affected with GRIN2D-related conditions. Advanced modeling of protein sequence and biophysical properties (such as structural, functional, and spatial information, amino acid conservation, physicochemical variation, residue mobility, and thermodynamic stability) performed at Invitae indicates that this missense variant is not expected to disrupt GRIN2D protein function.

Laboratorio de Genetica e Diagnostico Molecular, Hospital Israelita Albert Einstein
Classification: Uncertain significance. Last evaluated: 2021-11-29. Review status: criteria provided, single submitter. Criteria: ACMG Guidelines, 2015. Collection method: clinical testing. Allele origin: germline. Affected: yes.
Comment: ACMG classification criteria: PM2